The following is an entry in ClinVar:

ClinVar aggregate classification (germline): Uncertain significance (1 of 4 stars; one submission).

Conditions:
Arrhythmogenic right ventricular cardiomyopathy (ARVD). Also called: Arrhythmogenic right ventricular dysplasia; Cardiomyopathy, ARVC; Arrhythmogenic cardiomyopathy; Arrhythmogenic Right Ventricular Cardiomyopathy (ARVC). Identifiers: Orphanet 247, MedGen C0349788, MeSH D019571, MONDO:0016587. Disease mechanism: loss of function. Inheritance: Various modes of inheritance.

Allele frequency attached by ClinVar (database versions not stated): gnomAD exomes below 0.00001.
gnomAD v4.1: 1 of 1,608,960 alleles (0.000062%); highest among the groups gnomAD compares: Admixed American, 0.0017%; no homozygotes.

Submission:

All of Us Research Program, National Institutes of Health
Classification: Uncertain significance for Arrhythmogenic right ventricular cardiomyopathy. Last evaluated: 2023-10-06. Review status: criteria provided, single submitter. Criteria: ACMG Guidelines, 2015. Collection method: clinical testing. Allele origin: germline. Inheritance: Autosomal dominant inheritance. Observed: 1 variant allele, 1 heterozygote.
Comment: This missense variant replaces valine with leucine at codon 951 of the DSG2 protein. Computational prediction suggests that this variant may not impact protein structure and function (internally defined REVEL score threshold <= 0.5, PMID: 27666373). To our knowledge, functional studies have not been reported for this variant. This variant has not been reported in individuals affected with DSG2-related disorders in the literature. This variant has been identified in 1/245408 chromosomes in the general population by the Genome Aggregation Database (gnomAD). The available evidence is insufficient to determine the role of this variant in disease conclusively. Therefore, this variant is classified as a Variant of Uncertain Significance.

This study involves interpretation of variants in research participants for the purpose of population health screening. Participant phenotype was not available at the time of variant classification. Additional details can be found in publication PMID: 35346344, PMCID: PMC8962531

NM_001943.5(DSG2):c.2851G>C (p.Val951Leu)

Genes: DSG2 (desmoglein 2; plus strand), DSG2-AS1 (DSG2 antisense RNA 1; minus strand). Cytogenetic location: 18q12.1.
Variant type: single nucleotide variant.
Coding change: c.2851G>C on transcript NM_001943.5 (MANE Select); coding-DNA position 2851, G replaced by C.
Protein change: p.Val951Leu; replaces valine 951 with leucine.
Molecular consequence: missense variant.
Genome position (GRCh38, 1-based): chr18:31,546,237, G>C. VCF-style: chr18-31546237-G-C. GRCh37 (hg19) VCF-style: chr18-29126200-G-C.
Other names: short protein forms V951L.
Identifiers: ClinVar variation 3073750 (VCV003073750.1), dbSNP rs1368007624, ClinGen allele CA402147120.